The following is an entry in ClinVar:

ClinVar aggregate classification (germline): Uncertain significance (1 of 4 stars; one submission).

Conditions:
Cardiovascular phenotype. Identifiers: MedGen CN230736.

Submission:

Ambry Genetics
Classification: Uncertain significance for Cardiovascular phenotype. Last evaluated: 2024-08-11. Review status: criteria provided, single submitter. Criteria: Ambry Variant Classification Scheme 2023. Collection method: clinical testing. Allele origin: germline.
Comment: The p.T305K variant (also known as c.914C>A), located in coding exon 8 of the ABCG5 gene, results from a C to A substitution at nucleotide position 914. The threonine at codon 305 is replaced by lysine, an amino acid with similar properties. This amino acid position is conserved. In addition, this alteration is predicted to be deleterious by in silico analysis. Based on the available evidence, the clinical significance of this variant remains unclear.

NM_022436.3(ABCG5):c.914C>A (p.Thr305Lys)

Genes: ABCG5 (ATP binding cassette subfamily G member 5; minus strand), DYNC2LI1 (dynein cytoplasmic 2 light intermediate chain 1; plus strand). Cytogenetic location: 2p21.
Variant type: single nucleotide variant.
Coding change: c.914C>A on transcript NM_022436.3 (MANE Select); coding-DNA position 914, C replaced by A.
Protein change: p.Thr305Lys; replaces threonine 305 with lysine.
Molecular consequence: missense variant. On other transcripts: intron variant (2).
Genome position (GRCh38, 1-based): chr2:43,824,423, G>T on the plus strand (C>A on the coding strand, the complement: ABCG5 is on the minus strand). VCF-style: chr2-43824423-G-T. GRCh37 (hg19) VCF-style: chr2-44051562-G-T.
Other names: c.*16-2963G>T (NM_001348913.2, NM_001348912.2); short protein forms T305K.
Identifiers: ClinVar variation 3415458 (VCV003415458.1).